The following is an entry in ClinVar:

NM_001369268.1(ACAN):c.1466A>G (p.Tyr489Cys)

Gene: ACAN (aggrecan; plus strand). Cytogenetic location: 15q26.1.
Variant type: single nucleotide variant.
Coding change: c.1466A>G on transcript NM_001369268.1 (MANE Select); coding-DNA position 1466, A replaced by G.
Protein change: p.Tyr489Cys; replaces tyrosine 489 with cysteine.
Molecular consequence: missense variant.
Genome position (GRCh38, 1-based): chr15:88,847,279, A>G. VCF-style: chr15-88847279-A-G. GRCh37 (hg19) VCF-style: chr15-89390510-A-G.
Other names: c.1466A>G, p.Tyr489Cys (NM_001411097.1, NM_013227.4, NM_001135.4 and 1 more transcripts); short protein forms Y489C.
Identifiers: ClinVar variation 2713517 (VCV002713517.3), dbSNP rs1168184102, ClinGen allele CA393710571.
Genomic context (GRCh38, chr15:88,847,279, plus strand): 5'-GACCGCTCCCTCCTCCCCACCCAGGGGTCGTCTTCCACTACCGCCCGGGACCCACCCGCT[A>G]CTCGCTGACCTTTGAGGAGGCACAGCAGGCCTGCCTGCGCACGGGGGCGGTCATTGCCTC-3'
Protein context (NP_001356197.1, residues 479-499): VFHYRPGPTR[Tyr489Cys]SLTFEEAQQA

ClinVar aggregate classification (germline): Uncertain significance (1 of 4 stars; one submission).

Allele frequency attached by ClinVar (database versions not stated): gnomAD exomes below 0.00001; TOPMed below 0.00001.
gnomAD v4.1: 7 of 1,567,072 alleles (0.00045%); highest among the groups gnomAD compares: African/African-American, 0.0014%; no homozygotes.

Submission:

Labcorp Genetics (formerly Invitae), Labcorp
Classification: Uncertain significance. Last evaluated: 2023-04-06. Review status: criteria provided, single submitter. Criteria: Invitae Variant Classification Sherloc (09022015). Collection method: clinical testing. Allele origin: germline.
Comment: Advanced modeling of protein sequence and biophysical properties (such as structural, functional, and spatial information, amino acid conservation, physicochemical variation, residue mobility, and thermodynamic stability) performed at Invitae indicates that this missense variant is not expected to disrupt ACAN protein function. This sequence change replaces tyrosine, which is neutral and polar, with cysteine, which is neutral and slightly polar, at codon 489 of the ACAN protein (p.Tyr489Cys). The frequency data for this variant in the population databases is considered unreliable, as metrics indicate poor data quality at this position in the gnomAD database. This variant has not been reported in the literature in individuals affected with ACAN-related conditions. In summary, the available evidence is currently insufficient to determine the role of this variant in disease. Therefore, it has been classified as a Variant of Uncertain Significance.